The following is an entry in ClinVar:

NM_007317.3(KIF22):c.1930C>A (p.Gln644Lys)

Gene: KIF22 (kinesin family member 22; plus strand). Cytogenetic location: 16p11.2.
Variant type: single nucleotide variant.
Coding change: c.1930C>A on transcript NM_007317.3 (MANE Select); coding-DNA position 1930, C replaced by A.
Protein change: p.Gln644Lys; replaces glutamine 644 with lysine.
Molecular consequence: missense variant.
Genome position (GRCh38, 1-based): chr16:29,805,154, C>A. VCF-style: chr16-29805154-C-A. GRCh37 (hg19) VCF-style: chr16-29816475-C-A.
Other names: c.1930C>A (NM_007317.2, NM_007317.1); c.1726C>A, p.Gln576Lys (NM_001256269.2, NM_001256270.1); short protein forms Q644K, Q576K.
Identifiers: ClinVar variation 1461655 (VCV001461655.8), dbSNP rs11545427, ClinGen allele CA7993517.

ClinVar aggregate classification (germline): Uncertain significance. Review status: criteria provided, multiple submitters, no conflicts (2 of 4 stars). 3 submissions from 3 submitters: Uncertain significance (3). Last evaluated 2025-04-07.

Conditions:
KIF22-related disorder. Also called: KIF22-related condition.

Allele frequency attached by ClinVar (database versions not stated): gnomAD 0.00001; ExAC 0.00002; gnomAD exomes 0.00004.
gnomAD v4.1: 13 of 1,613,872 alleles (0.00081%); highest among the groups gnomAD compares: Admixed American, 0.022%; no homozygotes.

Submissions (3):

Labcorp Genetics (formerly Invitae), Labcorp
Classification: Uncertain significance. Last evaluated: 2025-04-07. Review status: criteria provided, single submitter. Criteria: Invitae Variant Classification Sherloc (09022015). Collection method: clinical testing. Allele origin: germline.
Comment: This sequence change replaces glutamine, which is neutral and polar, with lysine, which is basic and polar, at codon 644 of the KIF22 protein (p.Gln644Lys). This variant is present in population databases (rs11545427, gnomAD 0.02%). This variant has not been reported in the literature in individuals affected with KIF22-related conditions. ClinVar contains an entry for this variant (Variation ID: 1461655). An algorithm developed to predict the effect of missense changes on protein structure and function (PolyPhen-2) suggests that this variant is likely to be tolerated. In summary, the available evidence is currently insufficient to determine the role of this variant in disease. Therefore, it has been classified as a Variant of Uncertain Significance.

PreventionGenetics, part of Exact Sciences
Classification: Uncertain significance for KIF22-related condition. Last evaluated: 2024-11-08. Review status: criteria provided, single submitter. Criteria: ACMG Guidelines, 2015. Collection method: clinical testing. Allele origin: germline.
Comment: The KIF22 c.1930C>A variant is predicted to result in the amino acid substitution p.Gln644Lys. To our knowledge, this variant has not been reported in the literature. This variant is reported in 0.026% of alleles in individuals of Latino descent in gnomAD. At this time, the clinical significance of this variant is uncertain due to the absence of conclusive functional and genetic evidence.

Ambry Genetics
Classification: Uncertain significance. Last evaluated: 2021-07-14. Review status: criteria provided, single submitter. Criteria: Ambry Variant Classification Scheme 2023. Collection method: clinical testing. Allele origin: germline.